The following is an entry in ClinVar:

NM_000091.5(COL4A3):c.2374+5A>C

Genes: COL4A3 (collagen type IV alpha 3 chain; plus strand), MFF-DT (MFF divergent transcript; minus strand). Cytogenetic location: 2q36.3.
Variant type: single nucleotide variant.
Coding change: c.2374+5A>C on transcript NM_000091.5 (MANE Select); 5 bases into the intron after coding-DNA position 2374, A replaced by C.
Molecular consequence: intron variant.
Genome position (GRCh38, 1-based): chr2:227,280,595, A>C. VCF-style: chr2-227280595-A-C. GRCh37 (hg19) VCF-style: chr2-228145311-A-C.
Identifiers: ClinVar variation 2836453 (VCV002836453.3), dbSNP rs2469755248, ClinGen allele CA2739279185.
Genomic context (GRCh38, chr2:227,280,595, plus strand): 5'-TGGACTTCCAGGTCTCCCTGGAACTCCAGGAAATGAAGGGCTTGATGGACCACGAGGTAC[A>C]ATAGCAAGTGTCATTACTTTTCTCCACTGTGAGCTCTGCTAAAATGCAGCAAACTGAATG-3'

ClinVar aggregate classification (germline): Uncertain significance (1 of 4 stars; one submission).

Submission:

Labcorp Genetics (formerly Invitae), Labcorp
Classification: Uncertain significance. Last evaluated: 2023-03-03. Review status: criteria provided, single submitter. Criteria: Invitae Variant Classification Sherloc (09022015). Collection method: clinical testing. Allele origin: germline.
Comment: In summary, the available evidence is currently insufficient to determine the role of this variant in disease. Therefore, it has been classified as a Variant of Uncertain Significance. This variant has not been reported in the literature in individuals affected with COL4A3-related conditions. Variants that disrupt the consensus splice site are a relatively common cause of aberrant splicing (PMID: 17576681, 9536098). Algorithms developed to predict the effect of sequence changes on RNA splicing suggest that this variant is not likely to affect RNA splicing. This variant is not present in population databases (gnomAD no frequency). This sequence change falls in intron 30 of the COL4A3 gene. It does not directly change the encoded amino acid sequence of the COL4A3 protein. It affects a nucleotide within the consensus splice site.

Literature cited by the submitters: PubMed 17576681; PubMed 9536098.